The following is an entry in ClinVar:

ClinVar aggregate classification (germline): Uncertain significance (1 of 4 stars; one submission).

Conditions:
Hereditary cancer-predisposing syndrome. Also called: Neoplastic Syndromes, Hereditary; Tumor predisposition; Hereditary Cancer Syndrome; Hereditary neoplastic syndrome. Identifiers: Orphanet 140162, MedGen C0027672, MeSH D009386, MONDO:0015356.

Submission:

Ambry Genetics
Classification: Uncertain significance for Hereditary cancer-predisposing syndrome. Last evaluated: 2018-02-06. Review status: criteria provided, single submitter. Criteria: Ambry Variant Classification Scheme 2023. Collection method: clinical testing. Allele origin: germline.
Comment: The p.F709S variant (also known as c.2126T>C), located in coding exon 12 of the PMS2 gene, results from a T to C substitution at nucleotide position 2126. The phenylalanine at codon 709 is replaced by serine, an amino acid with highly dissimilar properties. This amino acid position is highly conserved in available vertebrate species. In addition, this alteration is predicted to be deleterious by in silico analysis. Since supporting evidence is limited at this time, the clinical significance of this alteration remains unclear.

NM_000535.7(PMS2):c.2126T>C (p.Phe709Ser)

Gene: PMS2 (PMS1 homolog 2, mismatch repair system component; minus strand). Cytogenetic location: 7p22.1.
Variant type: single nucleotide variant.
Coding change: c.2126T>C on transcript NM_000535.7 (MANE Select); coding-DNA position 2126, T replaced by C.
Protein change: p.Phe709Ser; replaces phenylalanine 709 with serine.
Molecular consequence: missense variant. On other transcripts: non-coding transcript variant (1).
Genome position (GRCh38, 1-based): chr7:5,982,872, A>G on the plus strand (T>C on the coding strand, the complement: PMS2 is on the minus strand). VCF-style: chr7-5982872-A-G. GRCh37 (hg19) VCF-style: chr7-6022503-A-G.
Other names: c.1721T>C, p.Phe574Ser (NM_001322003.2, NM_001322004.2, NM_001322005.2 and 1 more transcripts); c.1970T>C, p.Phe657Ser (NM_001322006.2); c.1808T>C, p.Phe603Ser (NM_001322007.2, NM_001322008.2); c.1565T>C, p.Phe522Ser (NM_001322010.2); c.1193T>C, p.Phe398Ser (NM_001322011.2, NM_001322012.2); c.1553T>C, p.Phe518Ser (NM_001322013.2); c.2126T>C, p.Phe709Ser (NM_001322014.2); c.1817T>C, p.Phe606Ser (NM_001322015.2); short protein forms F522S, F606S, F398S, F518S, F574S, F603S, F657S, F709S.
Identifiers: ClinVar variation 820769 (VCV000820769.4), dbSNP rs1583298549, ClinGen allele CA366737937.